The following is an entry in ClinVar:

NM_001061.7(TBXAS1):c.1061C>G (p.Thr354Ser)

Gene: TBXAS1 (thromboxane A synthase 1; plus strand). Cytogenetic location: 7q34.
Variant type: single nucleotide variant.
Coding change: c.1061C>G on transcript NM_001061.7 (MANE Select); coding-DNA position 1061, C replaced by G.
Protein change: p.Thr354Ser; replaces threonine 354 with serine.
Molecular consequence: missense variant.
Genome position (GRCh38, 1-based): chr7:139,962,160, C>G. VCF-style: chr7-139962160-C-G. GRCh37 (hg19) VCF-style: chr7-139661959-C-G.
Other names: c.1061C>G, p.Thr354Ser (NM_001130966.5, NM_030984.6); c.1199C>G, p.Thr400Ser (NM_001166253.4); c.860C>G, p.Thr287Ser (NM_001166254.4); c.1004C>G, p.Thr335Ser (NM_001314028.4); c.878C>G, p.Thr293Ser (NM_001366537.3); short protein forms T287S, T293S, T335S, T354S, T355S, T400S, T401S.
Identifiers: ClinVar variation 3374827 (VCV003374827.1).

ClinVar aggregate classification (germline): Uncertain significance (1 of 4 stars; one submission).

gnomAD v4.1: 2 of 1,614,164 alleles (0.00012%); highest among the groups gnomAD compares: Admixed American, 0.0033%; no homozygotes.

Submission:

Women's Health and Genetics/Laboratory Corporation of America, LabCorp
Classification: Uncertain significance. Last evaluated: 2024-09-13. Review status: criteria provided, single submitter. Criteria: LabCorp Variant Classification Summary - May 2015. Collection method: clinical testing. Allele origin: germline.
Comment: Variant summary: TBXAS1 c.1061C>G (p.Thr354Ser) results in a conservative amino acid change in the encoded protein sequence. Four of five in-silico tools predict a benign effect of the variant on protein function. The variant allele was found at a frequency of 8e-06 in 251364 control chromosomes. The available data on variant occurrences in the general population are insufficient to allow any conclusion about variant significance. To our knowledge, no occurrence of c.1061C>G in individuals affected with Ghosal Hematodiaphyseal Dysplasia and no experimental evidence demonstrating its impact on protein function have been reported. No submitters have cited clinical-significance assessments for this variant to ClinVar. Based on the evidence outlined above, the variant was classified as uncertain significance.